The following is an entry in ClinVar:

NM_002474.3(MYH11):c.379C>T (p.Pro127Ser)

Gene: MYH11 (myosin heavy chain 11; minus strand). Cytogenetic location: 16p13.11.
Variant type: single nucleotide variant.
Coding change: c.379C>T on transcript NM_002474.3 (MANE Select); coding-DNA position 379, C replaced by T.
Protein change: p.Pro127Ser; replaces proline 127 with serine.
Molecular consequence: missense variant.
Genome position (GRCh38, 1-based): chr16:15,823,378, G>A on the plus strand (C>T on the coding strand, the complement: MYH11 is on the minus strand). VCF-style: chr16-15823378-G-A. GRCh37 (hg19) VCF-style: chr16-15917235-G-A.
Other names: c.379C>T, p.Pro127Ser (NM_001040113.2, NM_001040114.2, NM_022844.3); short protein forms P127S.
Identifiers: ClinVar variation 617478 (VCV000617478.5), dbSNP rs1596904322, ClinGen allele CA394882729.

ClinVar aggregate classification (germline): Uncertain significance. Review status: criteria provided, single submitter (1 of 4 stars). 2 submissions from 2 submitters: Uncertain significance (1). 1 of the submissions does not count toward it. Last evaluated 2025-11-06.

Conditions:
Familial thoracic aortic aneurysm and aortic dissection (TAAD). Also called: Thoracic aortic aneurysms and dissections. Identifiers: Orphanet 91387, MedGen C4707243, MONDO:0019625.
Visceral myopathy 1 (VSCM1). Also called: Visceral myopathy; ACTG2 Visceral Myopathy; Infantile visceral myopathy. Identifiers: Orphanet 2604, MedGen C5542197, MONDO:0020754, OMIM 155310.

Submissions (2):

Ambry Genetics
Classification: Uncertain significance for Familial thoracic aortic aneurysm and aortic dissection. Last evaluated: 2025-11-06. Review status: criteria provided, single submitter. Criteria: Ambry Variant Classification Scheme 2023. Collection method: clinical testing. Allele origin: germline.
Comment: The p.P127S variant (also known as c.379C>T), located in coding exon 2 of the MYH11 gene, results from a C to T substitution at nucleotide position 379. The proline at codon 127 is replaced by serine, an amino acid with similar properties. This variant has been identified in the homozygous state and/or in conjunction with other MYH11 variant(s) in individual(s) with features consistent with megacystis-microcolon-intestinal hypoperistalsis syndrome (MMIHS); in at least one instance, the variants were identified in trans (Kloth K et al. Clin Genet, 2019 Jul;96:85-90). This amino acid position is highly conserved in available vertebrate species. In addition, this alteration is predicted to be deleterious by in silico analysis. Based on the majority of available evidence to date, this variant is likely to be pathogenic for autosomal recessive MMIHS, however, its clinical significance for autosomal dominant thoracic aortic aneurysm and dissection is uncertain.

Institute of Human Genetics, University Medical Center Hamburg-Eppendorf
Classification: Likely pathogenic for Visceral myopathy 1. Last evaluated: 2019-01-17. Review status: no assertion criteria provided. Collection method: clinical testing. Allele origin: germline. Inheritance: Autosomal recessive inheritance. Affected: yes. Not counted in ClinVar's aggregate classification.
Comment: Pro127 of MHY11 is highly conserved and as a component of the purine binding loop (Asp126Pro127xxxxxxTyr134; PMID 15184651) it is directly involved in shaping the ATP binding pocket of the motor domain. Molecular replacement of the orthologous (G.gallus) amino acid Pro126 for a serine resulted in (i) loss of molecular interactions between MYH11 amino acid 126 and MgADP_AlF4- and (ii) modified intramolecular interactions. These data suggest that p.Pro127Ser induces structural alterations which interfere with nucleotide (ATP/ADP) binding properties of MYH11. In summary, the Pro127Ser variant meets our criteria to be classified as likely pathogenic based upon familial segregation, absence from controls, pathogenicity predictions and indirect functional evidence.

Literature cited by the submitters: PubMed 31044419 (cited by Ambry Genetics).